The following is an entry in ClinVar:

NM_001849.4(COL6A2):c.778C>T (p.Pro260Ser)

Gene: COL6A2 (collagen type VI alpha 2 chain; plus strand). Cytogenetic location: 21q22.3.
Variant type: single nucleotide variant.
Coding change: c.778C>T on transcript NM_001849.4 (MANE Select); coding-DNA position 778, C replaced by T.
Protein change: p.Pro260Ser; replaces proline 260 with serine.
Molecular consequence: missense variant.
Genome position (GRCh38, 1-based): chr21:46,114,050, C>T. VCF-style: chr21-46114050-C-T. GRCh37 (hg19) VCF-style: chr21-47533964-C-T.
Other names: c.778C>T, p.Pro260Ser (NM_058174.3, NM_058175.3); short protein forms P260S.
Identifiers: ClinVar variation 4005496 (VCV004005496.2).

ClinVar aggregate classification (germline): Uncertain significance. Review status: criteria provided, multiple submitters, no conflicts (2 of 4 stars). 2 submissions from 2 submitters: Uncertain significance (2). Last evaluated 2025-11-06.

Conditions:
Bethlem myopathy 1A. Also called: MYOPATHY, BENIGN CONGENITAL, WITH CONTRACTURES; Bethlem myopathy 1; Bethlem Muscular Dystrophy. Identifiers: Orphanet 610, MedGen CN029274, MONDO:0024530, OMIM 158810.
Inborn genetic diseases. Identifiers: MedGen C0950123, MeSH D030342.

gnomAD v4.1: 6 of 1,613,612 alleles (0.00037%); highest among the groups gnomAD compares: African/African-American, 0.0013%; no homozygotes.

Submissions (2):

Labcorp Genetics (formerly Invitae), Labcorp
Classification: Uncertain significance for Bethlem myopathy 1A. Last evaluated: 2025-11-06. Review status: criteria provided, single submitter. Criteria: Invitae Variant Classification Sherloc (09022015). Collection method: clinical testing. Allele origin: germline.
Comment: This sequence change replaces proline, which is neutral and non-polar, with serine, which is neutral and polar, at codon 260 of the COL6A2 protein (p.Pro260Ser). This variant is present in population databases (rs763395264, gnomAD 0.0009%). This variant has not been reported in the literature in individuals affected with COL6A2-related conditions. ClinVar contains an entry for this variant (Variation ID: 4005496). Invitae Evidence Modeling of protein sequence and biophysical properties (such as structural, functional, and spatial information, amino acid conservation, physicochemical variation, residue mobility, and thermodynamic stability) indicates that this missense variant is not expected to disrupt COL6A2 protein function with a negative predictive value of 80%. In summary, the available evidence is currently insufficient to determine the role of this variant in disease. Therefore, it has been classified as a Variant of Uncertain Significance.

Ambry Genetics
Classification: Uncertain significance for Inborn genetic diseases. Last evaluated: 2025-04-10. Review status: criteria provided, single submitter. Criteria: Ambry Variant Classification Scheme 2023. Collection method: clinical testing. Allele origin: germline.